The following is an entry in ClinVar:

ClinVar aggregate classification (germline): Uncertain significance. Review status: criteria provided, multiple submitters, no conflicts (2 of 4 stars). 3 submissions from 3 submitters: Uncertain significance (3). Last evaluated 2026-10-01.

Conditions:
Cardiovascular phenotype. Identifiers: MedGen CN230736.
RASopathy. Also called: Noonan spectrum disorder; rasopathies. Identifiers: Orphanet 536391, MedGen C5555857, MONDO:0021060.
CBL-related disorder. Also called: CBL MUTATION-ASSOCIATED SYNDROME; CBL SYNDROME; NOONAN SYNDROME-LIKE DISORDER WITHOUT JUVENILE MYELOMONOCYTIC LEUKEMIA. Identifiers: Orphanet 363972, MedGen C3150803, MONDO:0013308, OMIM 613563.

Allele frequency attached by ClinVar (database versions not stated): gnomAD exomes below 0.00001.

Submissions (3):

St. Jude Molecular Pathology, St. Jude Children's Research Hospital
Classification: Uncertain significance for CBL-related disorder. Last evaluated: 2026-10-01. Review status: criteria provided, single submitter. Criteria: St. Jude Assertion Criteria 2020. Collection method: clinical testing. Allele origin: germline.
Comment: The CBL c.2192A>G p.(Tyr731Cys) m issense change has an allele frequency of 0.0004% in gnomAD v2.1.1. The in silico tool REVEL is inconclusive about a pathogenic or benign effect of this variant on protein function, and to our knowledge functional stu dies have not been performed. To our knowledge, this variant has not been reported in individuals with Noonan syndrome-like disorder. In summary, the evidence currently available is insufficient to determine the clinical significance of this variant. It has therefore been classified as of uncertain significance (VUS-Low).

Ambry Genetics
Classification: Uncertain significance for Cardiovascular phenotype. Last evaluated: 2025-10-14. Review status: criteria provided, single submitter. Criteria: Ambry Variant Classification Scheme 2023. Collection method: clinical testing. Allele origin: germline.
Comment: The p.Y731C variant (also known as c.2192A>G), located in coding exon 14 of the CBL gene, results from an A to G substitution at nucleotide position 2192. The tyrosine at codon 731 is replaced by cysteine, an amino acid with highly dissimilar properties. This amino acid position is conserved. In addition, the in silico prediction for this alteration is inconclusive. Based on the available evidence, the clinical significance of this variant remains unclear.

Labcorp Genetics (formerly Invitae), Labcorp
Classification: Uncertain significance for RASopathy. Last evaluated: 2024-04-17. Review status: criteria provided, single submitter. Criteria: Invitae Variant Classification Sherloc (09022015). Collection method: clinical testing. Allele origin: germline.
Comment: This sequence change replaces tyrosine, which is neutral and polar, with cysteine, which is neutral and slightly polar, at codon 731 of the CBL protein (p.Tyr731Cys). This variant is present in population databases (no rsID available, gnomAD 0.01%). This variant has not been reported in the literature in individuals affected with CBL-related conditions. ClinVar contains an entry for this variant (Variation ID: 1463273). Advanced modeling of protein sequence and biophysical properties (such as structural, functional, and spatial information, amino acid conservation, physicochemical variation, residue mobility, and thermodynamic stability) performed at Invitae indicates that this missense variant is not expected to disrupt CBL protein function with a negative predictive value of 95%. In summary, the available evidence is currently insufficient to determine the role of this variant in disease. Therefore, it has been classified as a Variant of Uncertain Significance.

NM_005188.4(CBL):c.2192A>G (p.Tyr731Cys)

Gene: CBL (Cbl proto-oncogene; plus strand). Cytogenetic location: 11q23.3.
Variant type: single nucleotide variant.
Coding change: c.2192A>G on transcript NM_005188.4 (MANE Select); coding-DNA position 2192, A replaced by G.
Protein change: p.Tyr731Cys; replaces tyrosine 731 with cysteine.
Molecular consequence: missense variant.
Genome position (GRCh38, 1-based): chr11:119,297,422, A>G. VCF-style: chr11-119297422-A-G. GRCh37 (hg19) VCF-style: chr11-119168132-A-G.
Other names: c.2192A>G (NM_005188.2); short protein forms Y731C.
Identifiers: ClinVar variation 1463273 (VCV001463273.8), dbSNP rs1212670088, ClinGen allele CA382928196.